The following is an entry in ClinVar:

NM_001849.4(COL6A2):c.1750C>A (p.Pro584Thr)

Gene: COL6A2 (collagen type VI alpha 2 chain; plus strand). Cytogenetic location: 21q22.3.
Variant type: single nucleotide variant.
Coding change: c.1750C>A on transcript NM_001849.4 (MANE Select); coding-DNA position 1750, C replaced by A.
Protein change: p.Pro584Thr; replaces proline 584 with threonine.
Molecular consequence: missense variant.
Genome position (GRCh38, 1-based): chr21:46,124,900, C>A. VCF-style: chr21-46124900-C-A. GRCh37 (hg19) VCF-style: chr21-47544814-C-A.
Other names: c.1750C>A, p.Pro584Thr (NM_058174.3, NM_058175.3); short protein forms P584T.
Identifiers: ClinVar variation 951234 (VCV000951234.10), dbSNP rs779979272, ClinGen allele CA10072165.

ClinVar aggregate classification (germline): Uncertain significance (1 of 4 stars; one submission).

Conditions:
Bethlem myopathy 1A. Also called: Bethlem Muscular Dystrophy; Bethlem myopathy 1; MYOPATHY, BENIGN CONGENITAL, WITH CONTRACTURES. Identifiers: Orphanet 610, MedGen CN029274, MONDO:0024530, OMIM 158810.

Allele frequency attached by ClinVar (database versions not stated): TOPMed 0.00003.
gnomAD v4.1: 5 of 1,612,828 alleles (0.00031%); highest among the groups gnomAD compares: African/African-American, 0.0027%; no homozygotes.

Submission:

Labcorp Genetics (formerly Invitae), Labcorp
Classification: Uncertain significance for Bethlem myopathy 1A. Last evaluated: 2020-06-06. Review status: criteria provided, single submitter. Criteria: Invitae Variant Classification Sherloc (09022015). Collection method: clinical testing. Allele origin: germline.
Comment: This variant is present in population databases (rs779979272, ExAC 0.01%). This sequence change replaces proline with threonine at codon 584 of the COL6A2 protein (p.Pro584Thr). The proline residue is moderately conserved and there is a small physicochemical difference between proline and threonine. This variant has not been reported in the literature in individuals with COL6A2-related conditions. In summary, the available evidence is currently insufficient to determine the role of this variant in disease. Therefore, it has been classified as a Variant of Uncertain Significance. Algorithms developed to predict the effect of missense changes on protein structure and function are either unavailable or do not agree on the potential impact of this missense change (SIFT: "Tolerated"; PolyPhen-2: "Possibly Damaging"; Align-GVGD: "Class C0").